The following is an entry in ClinVar:

ClinVar aggregate classification (germline): Pathogenic/Likely pathogenic. Review status: criteria provided, multiple submitters, no conflicts (2 of 4 stars). 3 submissions from 3 submitters: Pathogenic (1); Likely pathogenic (2). Last evaluated 2024-09-06.

Conditions:
Hereditary cancer-predisposing syndrome. Also called: Neoplastic Syndromes, Hereditary; Hereditary neoplastic syndrome; Tumor predisposition; Hereditary Cancer Syndrome. Identifiers: Orphanet 140162, MedGen C0027672, MeSH D009386, MONDO:0015356.
Cardiovascular phenotype. Identifiers: MedGen CN230736.
Neurofibromatosis, type 1 (NF1). Also called: Neurofibromatosis, type I; NEUROFIBROMATOSIS, TYPE I, SOMATIC; VON RECKLINGHAUSEN DISEASE; Peripheral type neurofibromatosis. Identifiers: Orphanet 636, MedGen C0027831, MONDO:0018975, OMIM 162200. Disease mechanism: loss of function.

Allele frequency attached by ClinVar (database versions not stated): ExAC 0.00001.

Submissions (3):

Ambry Genetics
Classification: Pathogenic for Cardiovascular phenotype; Hereditary cancer-predisposing syndrome. Last evaluated: 2024-09-06. Review status: criteria provided, single submitter. Criteria: Ambry Variant Classification Scheme 2023. Collection method: clinical testing. Allele origin: germline.
Comment: The c.6858+4A>G intronic pathogenic mutation results from an A to G substitution 4 nucleotides after coding exon 45 in the NF1 gene. This variant was reported in multiple individuals with features consistent with neurofibromatosis type 1, including one individual as the result of a de novo mutation or germline mosaicism (Jang MA et al. J Hum Genet, 2016 Aug;61:705-9; external communication; Ambry internal data). This nucleotide position is highly conserved in available vertebrate species. In silico splice site analysis predicts that this alteration will weaken the native splice donor site. RNA studies have demonstrated that this alteration results in abnormal splicing (Jang MA et al. J Hum Genet, 2016 Aug;61:705-9; external communication; Ambry internal data). This variant is considered to be rare based on population cohorts in the Genome Aggregation Database (gnomAD). Based on the supporting evidence, this variant is interpreted as a disease-causing mutation.

Labcorp Genetics (formerly Invitae), Labcorp
Classification: Likely pathogenic for Neurofibromatosis, type 1. Last evaluated: 2024-06-12. Review status: criteria provided, single submitter. Criteria: Invitae Variant Classification Sherloc (09022015). Collection method: clinical testing. Allele origin: germline.
Comment: This sequence change falls in intron 45 of the NF1 gene. It does not directly change the encoded amino acid sequence of the NF1 protein. It affects a nucleotide within the consensus splice site. This variant is not present in population databases (gnomAD no frequency). This variant has been observed in individual(s) with clinical features of neurofibromatosis type 1 and/or neurofibromatosis type 1 (PMID: 27074763; Invitae). This variant is also known as c.6921+4A>G. ClinVar contains an entry for this variant (Variation ID: 1683842). Variants that disrupt the consensus splice site are a relatively common cause of aberrant splicing (PMID: 17576681, 9536098). Studies have shown that this variant is associated with inconclusive levels of altered splicing (PMID: 27074763). In summary, the currently available evidence indicates that the variant is pathogenic, but additional data are needed to prove that conclusively. Therefore, this variant has been classified as Likely Pathogenic.

GeneDx
Classification: Likely pathogenic. Last evaluated: 2021-12-28. Review status: criteria provided, single submitter. Criteria: GeneDx Variant Classification Process June 2021. Collection method: clinical testing. Allele origin: germline. Affected: yes.
Comment: Intronic splice site variant demonstrated to result in aberrant splicing leading to in-frame skipping of the adjacent exon (Jang 2016); Identified in a patient with clinical suspicion of neurofibromatosis type 1 in published literature (Jang 2016); In silico analysis supports a deleterious effect on splicing; This variant is associated with the following publications: (PMID: 27074763)

Literature cited by the submitters: PubMed 27074763 (cited by Ambry Genetics and Labcorp Genetics (formerly Invitae), Labcorp); PubMed 17576681 (cited by Labcorp Genetics (formerly Invitae), Labcorp); PubMed 9536098 (cited by Labcorp Genetics (formerly Invitae), Labcorp).

NM_001042492.3(NF1):c.6921+4A>G

Gene: NF1 (neurofibromin 1; plus strand). Cytogenetic location: 17q11.2.
Variant type: single nucleotide variant.
Coding change: c.6921+4A>G on transcript NM_001042492.3 (MANE Select); 4 bases into the intron after coding-DNA position 6921, A replaced by G.
Molecular consequence: intron variant.
Genome position (GRCh38, 1-based): chr17:31,338,809, A>G. VCF-style: chr17-31338809-A-G. GRCh37 (hg19) VCF-style: chr17-29665827-A-G.
Other names: c.6858+4A>G (NM_000267.4).
Identifiers: ClinVar variation 1683842 (VCV001683842.6), dbSNP rs752841251, ClinGen allele CA8487449.
Genomic context (GRCh38, chr17:31,338,809, plus strand): 5'-GTTCTGATAGAAGCTACAGTAATAGCACTAACCAAATTACAGCCACTTCTTAATAAGGTA[A>G]TTACTGTATAGAAAATGAGTGCATTCATTTTGGGTATCAGTGTTGAATGTTACTTTCTTT-3'